The following is an entry in ClinVar:

ClinVar aggregate classification (germline): Uncertain significance (1 of 4 stars; one submission).

Conditions:
Gastrointestinal stromal tumor. Also called: Gastrointestinal stromal tumor, somatic; Gastrointestinal stroma tumor. Identifiers: Orphanet 44890, MedGen C0238198, MeSH D046152, MONDO:0011719, OMIM 606764, HP:0100723.

Submission:

Labcorp Genetics (formerly Invitae), Labcorp
Classification: Uncertain significance for Gastrointestinal stromal tumor. Last evaluated: 2023-07-25. Review status: criteria provided, single submitter. Criteria: Invitae Variant Classification Sherloc (09022015). Collection method: clinical testing. Allele origin: germline.
Comment: This sequence change replaces isoleucine, which is neutral and non-polar, with methionine, which is neutral and non-polar, at codon 47 of the KIT protein (p.Ile47Met). This variant is not present in population databases (gnomAD no frequency). This variant has not been reported in the literature in individuals affected with KIT-related conditions. An algorithm developed to predict the effect of missense changes on protein structure and function (PolyPhen-2) suggests that this variant is likely to be disruptive. In summary, the available evidence is currently insufficient to determine the role of this variant in disease. Therefore, it has been classified as a Variant of Uncertain Significance.

NM_000222.3(KIT):c.141A>G (p.Ile47Met)

Gene: KIT (KIT proto-oncogene, receptor tyrosine kinase; plus strand). Cytogenetic location: 4q12.
Variant type: single nucleotide variant.
Coding change: c.141A>G on transcript NM_000222.3 (MANE Select); coding-DNA position 141, A replaced by G.
Protein change: p.Ile47Met; replaces isoleucine 47 with methionine.
Molecular consequence: missense variant.
Genome position (GRCh38, 1-based): chr4:54,695,585, A>G. VCF-style: chr4-54695585-A-G. GRCh37 (hg19) VCF-style: chr4-55561751-A-G.
Other names: c.141A>G, p.Ile47Met (NM_001093772.2, NM_001385284.1, NM_001385285.1 and 4 more transcripts); short protein forms I47M.
Identifiers: ClinVar variation 2746297 (VCV002746297.3), dbSNP rs2109660950, ClinGen allele CA356896924.